The following is an entry in ClinVar:

ClinVar aggregate classification (germline): Likely pathogenic. Review status: criteria provided, multiple submitters, no conflicts (2 of 4 stars). 2 submissions from 2 submitters: Likely pathogenic (2). Last evaluated 2026-02-23.

Conditions:
Laryngo-onycho-cutaneous syndrome (JEB2C). Also called: LOGIC SYNDROME; EPIDERMOLYSIS BULLOSA, JUNCTIONAL 2C, LARYNGOONYCHOCUTANEOUS; SHABBIR SYNDROME. Identifiers: Orphanet 2407, MedGen C1328355, MONDO:0009513, OMIM 245660.
Epidermolysis bullosa, junctional 2A, intermediate. Also called: EPIDERMOLYSIS BULLOSA, JUNCTIONAL 2A, GENERALIZED INTERMEDIATE; EPIDERMOLYSIS BULLOSA, JUNCTIONAL 2A, NON-HERLITZ TYPE. Identifiers: MedGen C5676936, MONDO:0030746, OMIM 619783.
Epidermolysis bullosa, junctional 2B, severe. Also called: EPIDERMOLYSIS BULLOSA, JUNCTIONAL 2B, GENERALIZED SEVERE; EPIDERMOLYSIS BULLOSA, JUNCTIONAL 2B, HERLITZ TYPE. Identifiers: MedGen C5676937, MONDO:0030747, OMIM 619784.

Submissions (2):

Dasa
Classification: Likely pathogenic. Last evaluated: 2026-02-23. Review status: criteria provided, single submitter. Criteria: DASA Assertion Criteria. Collection method: clinical testing. Allele origin: germline.
Comment: NM_198129.4(LAMA3):c.7289del (p.Gly2430Valfs*7) is a frameshift variant in LAMA3 predicted to alter the reading frame and introduce a premature termination codon and is predicted to result in an absent or altered protein product. Loss of function is an established disease mechanism for LAMA3-associated disorders. Also, this variant is rare in population databases. Based on the currently available evidence, this variant is classified as likely pathogenic.

Fulgent Genetics
Classification: Likely pathogenic for Laryngo-onycho-cutaneous syndrome; Epidermolysis bullosa, junctional 2A, intermediate; Epidermolysis bullosa, junctional 2B, severe. Last evaluated: 2024-05-31. Review status: criteria provided, single submitter. Criteria: ACMG Guidelines, 2015. Collection method: clinical testing. Allele origin: germline.

NM_198129.4(LAMA3):c.7289del (p.Gly2430fs)

Gene: LAMA3 (laminin subunit alpha 3; plus strand). Cytogenetic location: 18q11.2.
Variant type: Deletion.
Coding change: c.7289del on transcript NM_198129.4 (MANE Select); coding-DNA position 7289, one base deleted (G; older notation c.7289delG).
Protein change: p.Gly2430fs; shifts the reading frame from glycine 2430.
Molecular consequence: frameshift variant.
Genome position (GRCh38, 1-based): chr18:23,912,841, G deleted; the last of 5 consecutive G bases (chr18:23,912,837-23,912,841); deleting any one gives the same sequence. VCF-style (leftmost placement, unchanged base first): chr18-23912836-TG-T. GRCh37 (hg19) VCF-style: chr18-21492800-TG-T.
Other names: c.2462del, p.Gly821fs (NM_000227.6); c.7121del, p.Gly2374fs (NM_001127717.4); c.2294del, p.Gly765fs (NM_001127718.4); short protein forms G821fs, G2374fs, G2430fs, G765fs.
Identifiers: ClinVar variation 3583198 (VCV003583198.3).